The following is an entry in ClinVar:

NM_005630.3(SLCO2A1):c.1882G>A (p.Val628Met)

Gene: SLCO2A1 (solute carrier organic anion transporter family member 2A1; minus strand). Cytogenetic location: 3q22.1.
Variant type: single nucleotide variant.
Coding change: c.1882G>A on transcript NM_005630.3 (MANE Select); coding-DNA position 1882, G replaced by A.
Protein change: p.Val628Met; replaces valine 628 with methionine.
Molecular consequence: missense variant.
Genome position (GRCh38, 1-based): chr3:133,934,763, C>T on the plus strand (G>A on the coding strand, the complement: SLCO2A1 is on the minus strand). VCF-style: chr3-133934763-C-T. GRCh37 (hg19) VCF-style: chr3-133653607-C-T.
Other names: short protein forms V628M.
Identifiers: ClinVar variation 4169490 (VCV004169490.2).

ClinVar aggregate classification (germline): Uncertain significance. Review status: criteria provided, multiple submitters, no conflicts (2 of 4 stars). 2 submissions from 2 submitters: Uncertain significance (2). Last evaluated 2025-09-09.

Conditions:
Inborn genetic diseases. Identifiers: MedGen C0950123, MeSH D030342.

gnomAD v4.1: 10 of 1,613,362 alleles (0.00062%); highest among the groups gnomAD compares: African/African-American, 0.013%; no homozygotes.

Submissions (2):

Ambry Genetics
Classification: Uncertain significance for Inborn genetic diseases. Last evaluated: 2025-09-09. Review status: criteria provided, single submitter. Criteria: Ambry Variant Classification Scheme 2023. Collection method: clinical testing. Allele origin: germline.

Labcorp Genetics (formerly Invitae), Labcorp
Classification: Uncertain significance. Last evaluated: 2025-04-28. Review status: criteria provided, single submitter. Criteria: Invitae Variant Classification Sherloc (09022015). Collection method: clinical testing. Allele origin: germline.
Comment: This sequence change replaces valine, which is neutral and non-polar, with methionine, which is neutral and non-polar, at codon 628 of the SLCO2A1 protein (p.Val628Met). This variant is present in population databases (rs758793019, gnomAD 0.02%). This variant has not been reported in the literature in individuals affected with SLCO2A1-related conditions. Invitae Evidence Modeling of protein sequence and biophysical properties (such as structural, functional, and spatial information, amino acid conservation, physicochemical variation, residue mobility, and thermodynamic stability) indicates that this missense variant is not expected to disrupt SLCO2A1 protein function with a negative predictive value of 95%. In summary, the available evidence is currently insufficient to determine the role of this variant in disease. Therefore, it has been classified as a Variant of Uncertain Significance.